The following is an entry in ClinVar:

NM_001374736.1(DST):c.3181T>A (p.Ser1061Thr)

Gene: DST (dystonin; minus strand). Cytogenetic location: 6p12.1.
Variant type: single nucleotide variant.
Coding change: c.3181T>A on transcript NM_001374736.1 (MANE Select); coding-DNA position 3181, T replaced by A.
Protein change: p.Ser1061Thr; replaces serine 1061 with threonine.
Molecular consequence: missense variant.
Genome position (GRCh38, 1-based): chr6:56,635,594, A>T on the plus strand (T>A on the coding strand, the complement: DST is on the minus strand). VCF-style: chr6-56635594-A-T. GRCh37 (hg19) VCF-style: chr6-56500392-A-T.
Other names: c.3082T>A, p.Ser1028Thr (NM_001144769.5); c.2668T>A, p.Ser890Thr (NM_001144770.2); c.3181T>A, p.Ser1061Thr (NM_001374722.1); c.2548T>A, p.Ser850Thr (NM_001374729.1, NM_001374730.1, NM_001386100.1 and 1 more transcripts); c.3208T>A, p.Ser1070Thr (NM_001374734.1); c.1570T>A, p.Ser524Thr (NM_001723.7, NM_015548.5); short protein forms S890T, S1028T, S1061T, S1070T, S850T, S524T.
Identifiers: ClinVar variation 1727382 (VCV001727382.2), dbSNP rs888827368, ClinGen allele CA139217874.

ClinVar aggregate classification (germline): Uncertain significance (1 of 4 stars; one submission).

Conditions:
Inborn genetic diseases. Identifiers: MedGen C0950123, MeSH D030342.

Allele frequency attached by ClinVar (database versions not stated): gnomAD exomes 0.00001.
gnomAD v4.1: 7 of 1,613,978 alleles (0.00043%); highest among the groups gnomAD compares: Non-Finnish European, 0.00051%; no homozygotes.

Submission:

Ambry Genetics
Classification: Uncertain significance for Inborn genetic diseases. Last evaluated: 2020-12-16. Review status: criteria provided, single submitter. Criteria: Ambry Variant Classification Scheme 2023. Collection method: clinical testing. Allele origin: germline.
Comment: The p.S1028T variant (also known as c.3082T>A), located in coding exon 23 of the DST gene, results from a T to A substitution at nucleotide position 3082. The serine at codon 1028 is replaced by threonine, an amino acid with similar properties. This amino acid position is well conserved in available vertebrate species. In addition, this alteration is predicted to be tolerated by in silico analysis. Since supporting evidence is limited at this time, the clinical significance of this alteration remains unclear.